The following is an entry in ClinVar:

NM_015047.3(EMC1):c.2773G>C (p.Ala925Pro)

Genes: EMC1 (ER membrane protein complex subunit 1; minus strand), EMC1-AS1 (EMC1 antisense RNA 1; plus strand). Cytogenetic location: 1p36.13.
Variant type: single nucleotide variant.
Coding change: c.2773G>C on transcript NM_015047.3 (MANE Select); coding-DNA position 2773, G replaced by C.
Protein change: p.Ala925Pro; replaces alanine 925 with proline.
Molecular consequence: missense variant.
Genome position (GRCh38, 1-based): chr1:19,219,598, C>G on the plus strand (G>C on the coding strand, the complement: EMC1 is on the minus strand). VCF-style: chr1-19219598-C-G. GRCh37 (hg19) VCF-style: chr1-19546092-C-G.
Other names: c.2770G>C, p.Ala924Pro (NM_001271427.2, NM_001271428.2); c.2707G>C, p.Ala903Pro (NM_001271429.2); c.2782G>C, p.Ala928Pro (NM_001375820.1); c.2779G>C, p.Ala927Pro (NM_001375821.1); short protein forms A903P, A924P, A928P, A925P, A927P.
Identifiers: ClinVar variation 4088046 (VCV004088046.1).

ClinVar aggregate classification (germline): Uncertain significance (1 of 4 stars; one submission).

Submission:

GeneDx
Classification: Uncertain significance. Last evaluated: 2025-03-27. Review status: criteria provided, single submitter. Criteria: GeneDx Variant Classification Process June 2021. Collection method: clinical testing. Allele origin: germline. Affected: yes.
Comment: Not observed at significant frequency in large population cohorts (gnomAD); In silico analysis supports that this missense variant has a deleterious effect on protein structure/function; Has not been previously published as pathogenic or benign to our knowledge